The following is an entry in ClinVar:

NM_138711.6(PPARG):c.441T>C (p.Asp147=)

Gene: PPARG (peroxisome proliferator activated receptor gamma; plus strand). Cytogenetic location: 3p25.2.
Variant type: single nucleotide variant.
Coding change: c.441T>C on transcript NM_138711.6 (MANE Select); coding-DNA position 441, T replaced by C.
Protein change: p.Asp147=; no amino-acid change (aspartic acid 147 retained).
Molecular consequence: synonymous variant. On other transcripts: missense variant (1).
Genome position (GRCh38, 1-based): chr3:12,392,664, T>C. VCF-style: chr3-12392664-T-C. GRCh37 (hg19) VCF-style: chr3-12434163-T-C.
Other names: c.531T>C (NM_015869.4); c.441T>C, p.Asp147= (NM_001330615.4, NM_001354666.3, NM_001354667.3 and 6 more transcripts); c.531T>C, p.Asp177= (NM_001354668.2, NM_001374265.1, NM_015869.5); c.14T>C, p.Ile5Thr (NM_001354669.2); c.447T>C, p.Asp149= (NM_001354670.2, NM_001374266.1); short protein forms I5T.
Identifiers: ClinVar variation 3039994 (VCV003039994.3), dbSNP rs1469268585, ClinGen allele CA432300230.

ClinVar aggregate classification (germline): Likely benign. Review status: criteria provided, single submitter (1 of 4 stars). 2 submissions from 2 submitters: Likely benign (1). 1 of the submissions does not count toward it. Last evaluated 2026-09-02.

Conditions:
Inborn genetic diseases. Identifiers: MedGen C0950123, MeSH D030342.
PPARG-related disorder. Also called: PPARG-related condition; PPARG-related disorders.

Allele frequency attached by ClinVar (database versions not stated): gnomAD exomes below 0.00001; gnomAD 0.00001; TOPMed 0.00002.
gnomAD v4.1: 5 of 1,613,814 alleles (0.00031%); highest among the groups gnomAD compares: Admixed American, 0.005%; no homozygotes.

Submissions (2):

Ambry Genetics
Classification: Likely benign for Inborn genetic diseases. Last evaluated: 2026-09-02. Review status: criteria provided, single submitter. Criteria: Ambry Variant Classification Scheme 2023. Collection method: clinical testing. Allele origin: germline.

PreventionGenetics, part of Exact Sciences
Classification: Likely benign for PPARG-related condition. Last evaluated: 2019-09-24. Review status: no assertion criteria provided. Collection method: clinical testing. Allele origin: germline. Not counted in ClinVar's aggregate classification.
Comment: This variant is classified as likely benign based on ACMG/AMP sequence variant interpretation guidelines (Richards et al. 2015 PMID: 25741868, with internal and published modifications).